The following is an entry in ClinVar:

NM_002647.4(PIK3C3):c.410G>A (p.Arg137His)

Gene: PIK3C3 (phosphatidylinositol 3-kinase catalytic subunit type 3; plus strand). Cytogenetic location: 18q12.3.
Variant type: single nucleotide variant.
Coding change: c.410G>A on transcript NM_002647.4 (MANE Select); coding-DNA position 410, G replaced by A.
Protein change: p.Arg137His; replaces arginine 137 with histidine.
Molecular consequence: missense variant.
Genome position (GRCh38, 1-based): chr18:41,970,335, G>A. VCF-style: chr18-41970335-G-A. GRCh37 (hg19) VCF-style: chr18-39550299-G-A.
Other names: c.221G>A, p.Arg74His (NM_001308020.2); short protein forms R137H, R74H.
Identifiers: ClinVar variation 2648685 (VCV002648685.24), dbSNP rs374012011, ClinGen allele CA8944064.
Genomic context (GRCh38, chr18:41,970,335, plus strand): 5'-GTAATGAACTGTATTAATTTACTTCTACCCTGAACATTCTCTTTTTCCCTAGCATGTTTC[G>A]CCAAGGGATGCATGACTTGAAAGTCTGGCCTAATGTAGAAGCAGATGGATCAGAACCCAC-3'
Protein context (NP_002638.2, residues 127-147): VSLFGKYGMF[Arg137His]QGMHDLKVWP

ClinVar aggregate classification (germline): Uncertain significance (1 of 4 stars; one submission).

Allele frequency attached by ClinVar (database versions not stated): ExAC 0.00002; gnomAD 0.00003; TOPMed 0.00004; gnomAD exomes 0.00008; ESP Exome Variant Server 0.00023.
gnomAD v4.1: 131 of 1,612,872 alleles (0.0081%); highest among the groups gnomAD compares: Non-Finnish European, 0.01%; no homozygotes.

Submission:

CeGaT Center for Human Genetics Tuebingen
Classification: Uncertain significance. Last evaluated: 2022-06-01. Review status: criteria provided, single submitter. Criteria: CeGaT Center For Human Genetics Tuebingen Variant Classification Criteria Version 2. Collection method: clinical testing. Allele origin: germline. Affected: yes. Observed: 1 variant allele.
Comment: PIK3C3: PM2, PP3